The following is an entry in ClinVar:

ClinVar aggregate classification (germline): Uncertain significance. Review status: criteria provided, multiple submitters, no conflicts (2 of 4 stars). 2 submissions from 2 submitters: Uncertain significance (2). Last evaluated 2024-10-28.

Allele frequency attached by ClinVar (database versions not stated): gnomAD exomes 0.00002 and 0.00004; ExAC 0.00003; gnomAD 0.00004 and 0.00005; TOPMed 0.00004.
gnomAD v4.1: 42 of 1,610,958 alleles (0.0026%); highest among the groups gnomAD compares: Middle Eastern, 0.016%; no homozygotes.

Submissions (2):

Labcorp Genetics (formerly Invitae), Labcorp
Classification: Uncertain significance. Last evaluated: 2024-10-28. Review status: criteria provided, single submitter. Criteria: Invitae Variant Classification Sherloc (09022015). Collection method: clinical testing. Allele origin: germline.
Comment: This sequence change replaces leucine, which is neutral and non-polar, with phenylalanine, which is neutral and non-polar, at codon 252 of the TONSL protein (p.Leu252Phe). This variant is present in population databases (rs746326095, gnomAD 0.007%). This variant has not been reported in the literature in individuals affected with TONSL-related conditions. ClinVar contains an entry for this variant (Variation ID: 1461047). Invitae Evidence Modeling of protein sequence and biophysical properties (such as structural, functional, and spatial information, amino acid conservation, physicochemical variation, residue mobility, and thermodynamic stability) indicates that this missense variant is expected to disrupt TONSL protein function with a positive predictive value of 80%. In summary, the available evidence is currently insufficient to determine the role of this variant in disease. Therefore, it has been classified as a Variant of Uncertain Significance.

Blueprint Genetics
Classification: Uncertain significance. Last evaluated: 2024-03-06. Review status: criteria provided, single submitter. Criteria: ACMG Guidelines, 2015. Collection method: clinical testing. Allele origin: germline.

NM_013432.5(TONSL):c.754C>T (p.Leu252Phe)

Gene: TONSL (tonsoku like, DNA repair protein; minus strand). Cytogenetic location: 8q24.3.
Variant type: single nucleotide variant.
Coding change: c.754C>T on transcript NM_013432.5 (MANE Select); coding-DNA position 754, C replaced by T.
Protein change: p.Leu252Phe; replaces leucine 252 with phenylalanine.
Molecular consequence: missense variant.
Genome position (GRCh38, 1-based): chr8:144,442,148, G>A on the plus strand (C>T on the coding strand, the complement: TONSL is on the minus strand). VCF-style: chr8-144442148-G-A. GRCh37 (hg19) VCF-style: chr8-145667531-G-A.
Other names: short protein forms L252F.
Identifiers: ClinVar variation 1461047 (VCV001461047.7), dbSNP rs746326095, ClinGen allele CA4943501.
Genomic context (GRCh38, chr8:144,442,148, plus strand): 5'-CCAGCCTGTAGGCCTTCTTCAGGGCTCGCTTGGCAGCCAAAAAGTCTCCCAGGTCTTGGA[G>A]GACCTGGAGAGCAAAGGACAGCAAAGGTTTTGCAGAATCCCCAAGGCCCGAATCTACGAG-3'
Protein context (NP_038460.4, residues 242-262): SECCVVIAQV[Leu252Phe]QDLGDFLAAK